The following is an entry in ClinVar:

NM_000059.4(BRCA2):c.4498G>C (p.Gly1500Arg)

Gene: BRCA2 (BRCA2 DNA repair associated; plus strand). Cytogenetic location: 13q13.1.
Variant type: single nucleotide variant.
Coding change: c.4498G>C on transcript NM_000059.4 (MANE Select); coding-DNA position 4498, G replaced by C.
Protein change: p.Gly1500Arg; replaces glycine 1500 with arginine.
Molecular consequence: missense variant. On other transcripts: non-coding transcript variant (1), intron variant (2).
Genome position (GRCh38, 1-based): chr13:32,338,853, G>C. VCF-style: chr13-32338853-G-C. GRCh37 (hg19) VCF-style: chr13-32912990-G-C.
Other names: c.4498G>C, p.Gly1500Arg (NM_001406719.1, NM_001406720.1, NM_001432077.1); c.1909+5466G>C (NM_001406721.1); c.425-5705G>C (NM_001406722.1); short protein forms G1500R.
Identifiers: ClinVar variation 4215879 (VCV004215879.1).

ClinVar aggregate classification (germline): Uncertain significance (1 of 4 stars; one submission).

Conditions:
Hereditary cancer-predisposing syndrome. Also called: Hereditary Cancer Syndrome; Hereditary neoplastic syndrome; Neoplastic Syndromes, Hereditary; Tumor predisposition. Identifiers: Orphanet 140162, MedGen C0027672, MeSH D009386, MONDO:0015356.

Submission:

Ambry Genetics
Classification: Uncertain significance for Hereditary cancer-predisposing syndrome. Last evaluated: 2025-07-28. Review status: criteria provided, single submitter. Criteria: Ambry Variant Classification Scheme 2023. Collection method: clinical testing. Allele origin: germline.
Comment: The p.G1500R variant (also known as c.4498G>C), located in coding exon 10 of the BRCA2 gene, results from a G to C substitution at nucleotide position 4498. The glycine at codon 1500 is replaced by arginine, an amino acid with dissimilar properties. This amino acid position is conserved. In addition, this alteration is predicted to be tolerated by in silico analysis. Based on the available evidence, the clinical significance of this variant remains unclear.